The following is an entry in ClinVar:

NM_001277115.2(DNAH11):c.1367del (p.Gln456fs)

Gene: DNAH11 (dynein axonemal heavy chain 11; plus strand). Cytogenetic location: 7p15.3.
Variant type: Deletion.
Coding change: c.1367del on transcript NM_001277115.2 (MANE Select); coding-DNA position 1367, one base deleted (A; older notation c.1367delA).
Protein change: p.Gln456fs; shifts the reading frame from glutamine 456.
Molecular consequence: frameshift variant.
Genome position (GRCh38, 1-based): chr7:21,570,241, A deleted. VCF-style (leftmost placement, unchanged base first): chr7-21570240-CA-C. GRCh37 (hg19) VCF-style: chr7-21609858-CA-C.
Other names: c.1367delA, p.Gln456Argfs (NM_003777.3); short protein forms Q456fs.
Identifiers: ClinVar variation 2846512 (VCV002846512.3), dbSNP rs2534520167, ClinGen allele CA2739265432.
Genomic context (GRCh38, chr7:21,570,240, plus strand): 5'-AACTATAGAAAAAAATTGGCAAGCTACTTTATGGGAAGAAAGCTGAGACCATGGGATTTC[CA>C]GTCTCATCTGGTGTTTTGCAGATTTGACAAGTTTCTTGATCGTTTAATAAAAATAGAGGT-3'

ClinVar aggregate classification (germline): Pathogenic (1 of 4 stars; one submission).

Conditions:
Primary ciliary dyskinesia. Also called: Ciliary dyskinesia. Identifiers: Orphanet 244, MedGen C0008780, MONDO:0016575, HP:0012265.

Submission:

Labcorp Genetics (formerly Invitae), Labcorp
Classification: Pathogenic for Primary ciliary dyskinesia. Last evaluated: 2023-03-17. Review status: criteria provided, single submitter. Criteria: Invitae Variant Classification Sherloc (09022015). Collection method: clinical testing. Allele origin: germline.
Comment: This variant has not been reported in the literature in individuals affected with DNAH11-related conditions. For these reasons, this variant has been classified as Pathogenic. This variant is not present in population databases (gnomAD no frequency). This sequence change creates a premature translational stop signal (p.Gln456Argfs*16) in the DNAH11 gene. It is expected to result in an absent or disrupted protein product. Loss-of-function variants in DNAH11 are known to be pathogenic (PMID: 18022865, 20513915, 22184204).

Literature cited by the submitters: PubMed 18022865; PubMed 20513915; PubMed 22184204.